The following is an entry in ClinVar:

ClinVar aggregate classification (germline): Uncertain significance (1 of 4 stars; one submission).

Conditions:
Tuberous sclerosis 2 (TSC2). Identifiers: Orphanet 805, MedGen C1860707, MONDO:0013199, OMIM 613254.

gnomAD v4.1: 1 of 1,607,136 alleles (0.000062%); highest among the groups gnomAD compares: Non-Finnish European, 0.000085%; no homozygotes.

Submission:

Labcorp Genetics (formerly Invitae), Labcorp
Classification: Uncertain significance for Tuberous sclerosis 2. Last evaluated: 2023-10-22. Review status: criteria provided, single submitter. Criteria: Invitae Variant Classification Sherloc (09022015). Collection method: clinical testing. Allele origin: germline.
Comment: This sequence change falls in intron 8 of the TSC2 gene. It does not directly change the encoded amino acid sequence of the TSC2 protein. It affects a nucleotide within the consensus splice site. This variant is not present in population databases (gnomAD no frequency). This variant has not been reported in the literature in individuals affected with TSC2-related conditions. Variants that disrupt the consensus splice site are a relatively common cause of aberrant splicing (PMID: 17576681, 9536098). Algorithms developed to predict the effect of sequence changes on RNA splicing suggest that this variant is not likely to affect RNA splicing. In summary, the available evidence is currently insufficient to determine the role of this variant in disease. Therefore, it has been classified as a Variant of Uncertain Significance.

Literature cited by the submitters: PubMed 17576681; PubMed 9536098.

NM_000548.5(TSC2):c.774+6G>C

Gene: TSC2 (TSC complex subunit 2; plus strand). Cytogenetic location: 16p13.3.
Variant type: single nucleotide variant.
Coding change: c.774+6G>C on transcript NM_000548.5 (MANE Select); 6 bases into the intron after coding-DNA position 774, G replaced by C.
Molecular consequence: intron variant.
Genome position (GRCh38, 1-based): chr16:2,056,775, G>C. VCF-style: chr16-2056775-G-C. GRCh37 (hg19) VCF-style: chr16-2106776-G-C.
Other names: c.-658+6G>C (NM_001406693.1, NM_001406689.1, NM_001406690.1 and 4 more transcripts); c.864+6G>C (NM_001406667.1, NM_001406668.1); c.174+6G>C (NM_001406680.1, NM_001406683.1, NM_001406687.1 and 6 more transcripts); c.-834+6G>C (NM_001406698.1); c.774+6G>C (NM_001114382.3, NM_001406663.1, NM_001406664.1 and 6 more transcripts); c.-539+6G>C (NM_001406694.1, NM_001406695.1); c.762+6G>C (NM_001406671.1, NM_001406673.1); c.312+6G>C (NM_001406681.1); and 4 more.
Identifiers: ClinVar variation 2770894 (VCV002770894.3), dbSNP rs2151082068, ClinGen allele CA2631115149.
Genomic context (GRCh38, chr16:2,056,775, plus strand): 5'-CGTTACCCTCTGTCGCACCATCAACGTCAAGGAGCTCTGCGAGCCTTGCTGGAAGGTGGG[G>C]TTTCTGAAACTGCTCTGGAAGGTTCCTGAGAGCACATGGATGGGACAAGGGCCATCCTGT-3'